The following is an entry in ClinVar:

NM_014423.4(AFF4):c.2115C>T (p.Leu705=)

Gene: AFF4 (ALF transcription elongation factor 4; minus strand). Cytogenetic location: 5q31.1.
Variant type: single nucleotide variant.
Coding change: c.2115C>T on transcript NM_014423.4 (MANE Select); coding-DNA position 2115, C replaced by T.
Protein change: p.Leu705=; no amino-acid change (leucine 705 retained).
Molecular consequence: synonymous variant.
Genome position (GRCh38, 1-based): chr5:132,896,515, G>A on the plus strand (C>T on the coding strand, the complement: AFF4 is on the minus strand). VCF-style: chr5-132896515-G-A. GRCh37 (hg19) VCF-style: chr5-132232207-G-A.
Identifiers: ClinVar variation 4979654 (VCV004979654.1).
Genomic context (GRCh38, chr5:132,896,515, plus strand): 5'-TCTAGTCAAAAGATTCAGGTCAATCTTCACAATAAGTGGGTACCTGTCATCAGGCTCACT[G>A]AGGGGTGAAAGAAGTTCCTTCTCTTCCATAGGAGAGAACATTCGTTGCCGAAAAAAGCTA-3'
Protein context (NP_055238.1, residues 695-715): PMEEKELLSP[Leu705=]SEPDDRYPLI

ClinVar aggregate classification (germline): Likely benign (1 of 4 stars; one submission).

Conditions:
AFF4-related disorder. Also called: AFF4-related condition.

gnomAD v4.1: 2 of 1,614,168 alleles (0.00012%); highest among the groups gnomAD compares: Non-Finnish European, 0.00017%; no homozygotes.

Submission:

PreventionGenetics, part of Exact Sciences
Classification: Likely benign for AFF4-related condition. Last evaluated: 2026-04-14. Review status: criteria provided, single submitter. Criteria: ACMG Guidelines, 2015. Collection method: clinical testing. Allele origin: germline.
Comment: This variant is classified as likely benign based on ACMG/AMP sequence variant interpretation guidelines (Richards et al. 2015 PMID: 25741868, with internal and published modifications).